The following is an entry in ClinVar:

NM_152564.5(VPS13B):c.11517C>A (p.Gly3839=)

Gene: VPS13B (vacuolar protein sorting 13 homolog B; plus strand). Cytogenetic location: 8q22.2.
Variant type: single nucleotide variant.
Coding change: c.11517C>A on transcript NM_152564.5 (MANE Select); coding-DNA position 11517, C replaced by A.
Protein change: p.Gly3839=; no amino-acid change (glycine 3839 retained).
Molecular consequence: synonymous variant.
Genome position (GRCh38, 1-based): chr8:99,871,469, C>A. VCF-style: chr8-99871469-C-A. GRCh37 (hg19) VCF-style: chr8-100883697-C-A.
Other names: c.11592C>A, p.Gly3864= (NM_017890.5).
Identifiers: ClinVar variation 3345371 (VCV003345371.1).

ClinVar aggregate classification (germline): Likely benign (0 of 4 stars; one submission).

Conditions:
VPS13B-related disorder. Also called: VPS13B-related condition.

gnomAD v4.1: 4 of 1,614,090 alleles (0.00025%); highest among the groups gnomAD compares: East Asian, 0.0045%; no homozygotes.

Submission:

PreventionGenetics, part of Exact Sciences
Classification: Likely benign for VPS13B-related condition. Last evaluated: 2024-09-18. Review status: no assertion criteria provided. Collection method: clinical testing. Allele origin: germline.
Comment: This variant is classified as likely benign based on ACMG/AMP sequence variant interpretation guidelines (Richards et al. 2015 PMID: 25741868, with internal and published modifications).